The following is an entry in ClinVar:

ClinVar aggregate classification (germline): Conflicting classifications of pathogenicity. Review status: criteria provided, conflicting classifications (1 of 4 stars). 5 submissions from 1 submitter: Uncertain significance (3); Likely benign (2). Last evaluated 2018-01-12.

Conditions:
Autosomal recessive limb-girdle muscular dystrophy type 2J (LGMDR10). Also called: Limb-girdle muscular dystrophy, type 2J; MUSCULAR DYSTROPHY, LIMB-GIRDLE, AUTOSOMAL RECESSIVE 10. Identifiers: Orphanet 140922, MedGen C1837342, MONDO:0012127, OMIM 608807.
Early-onset myopathy with fatal cardiomyopathy (CMYO5). Also called: CONGENITAL MYOPATHY 5 WITH CARDIOMYOPATHY; Salih Myopathy. Identifiers: Orphanet 289377, MedGen C2673677, MONDO:0012714, OMIM 611705. Disease mechanism: loss of function.
Dilated cardiomyopathy 1G (CMD1G). Identifiers: Orphanet 154, MedGen C1858763, MONDO:0011400, OMIM 604145.
Myopathy, myofibrillar, 9, with early respiratory failure (MFM9). Also called: EDSTROM MYOPATHY; MYOPATHY, PROXIMAL, WITH EARLY RESPIRATORY MUSCLE INVOLVEMENT; Myopathy, distal, with early respiratory failure, autosomal dominant; Hereditary myopathy with early respiratory failure. Identifiers: Orphanet 178464, Orphanet 34521, MedGen C1863599, MONDO:0011362, OMIM 603689.
Tibial muscular dystrophy (TMD). Also called: Tibial muscular dystrophy, tardive; UDD MYOPATHY; Udd Distal Myopathy – Tibial Muscular Dystrophy. Identifiers: Orphanet 609, MedGen C1838244, MONDO:0010870, OMIM 600334.

Allele frequency attached by ClinVar (database versions not stated): gnomAD exomes 0.00001 and 0.00002; TOPMed 0.00002; gnomAD 0.00003; ExAC 0.00004.

Submissions (5):

Illumina Laboratory Services, Illumina
Classification: Likely benign for Tibial muscular dystrophy. Last evaluated: 2018-01-12. Review status: criteria provided, single submitter. Criteria: ICSL Variant Classification Criteria 13 December 2019. Collection method: clinical testing. Allele origin: germline.
Comment: This variant was observed in the ICSL laboratory as part of a predisposition screen in an ostensibly healthy population. It had not been previously curated by ICSL or reported in the Human Gene Mutation Database (HGMD: prior to June 1st, 2018), and was therefore a candidate for classification through an automated scoring system. Utilizing variant allele frequency, disease prevalence and penetrance estimates, and inheritance mode, an automated score was calculated to assess if this variant is too frequent to cause the disease. Based on the score and internal cut-off values, a variant classified as likely benign is not then subjected to further curation. The score for this variant resulted in a classification of likely benign for this disease.

Illumina Laboratory Services, Illumina
Classification: Likely benign for Myopathy, myofibrillar, 9, with early respiratory failure. Last evaluated: 2018-01-12. Review status: criteria provided, single submitter. Criteria: ICSL Variant Classification Criteria 13 December 2019. Collection method: clinical testing. Allele origin: germline.
Comment: the same text as in the submission from Illumina Laboratory Services, Illumina above.

Illumina Laboratory Services, Illumina
Classification: Uncertain significance for Dilated cardiomyopathy 1G. Last evaluated: 2018-01-12. Review status: criteria provided, single submitter. Criteria: ICSL Variant Classification Criteria 13 December 2019. Collection method: clinical testing. Allele origin: germline.

Illumina Laboratory Services, Illumina
Classification: Uncertain significance for Early-onset myopathy with fatal cardiomyopathy. Last evaluated: 2018-01-12. Review status: criteria provided, single submitter. Criteria: ICSL Variant Classification Criteria 13 December 2019. Collection method: clinical testing. Allele origin: germline.

Illumina Laboratory Services, Illumina
Classification: Uncertain significance for Autosomal recessive limb-girdle muscular dystrophy type 2J. Last evaluated: 2018-01-12. Review status: criteria provided, single submitter. Criteria: ICSL Variant Classification Criteria 13 December 2019. Collection method: clinical testing. Allele origin: germline.

NM_001267550.2(TTN):c.55619T>C (p.Val18540Ala)

Genes: TTN (titin; minus strand), TTN-AS1 (TTN antisense RNA 1; plus strand). Cytogenetic location: 2q31.2.
Variant type: single nucleotide variant.
Coding change: c.55619T>C on transcript NM_001267550.2 (MANE Select); coding-DNA position 55619, T replaced by C.
Protein change: p.Val18540Ala; replaces valine 18540 with alanine.
Molecular consequence: missense variant.
Genome position (GRCh38, 1-based): chr2:178,601,378, A>G on the plus strand (T>C on the coding strand, the complement: TTN is on the minus strand). VCF-style: chr2-178601378-A-G. GRCh37 (hg19) VCF-style: chr2-179466105-A-G.
Other names: c.50696T>C, p.Val16899Ala (NM_001256850.1); c.28424T>C, p.Val9475Ala (NM_003319.4); c.47915T>C, p.Val15972Ala (NM_133378.4); c.28799T>C, p.Val9600Ala (NM_133432.3); c.29000T>C, p.Val9667Ala (NM_133437.4); short protein forms V16899A, V18540A, V9667A, V15972A, V9475A, V9600A.
Identifiers: ClinVar variation 893158 (VCV000893158.4), dbSNP rs779623773, ClinGen allele CA1993423.
Genomic context (GRCh38, chr2:178,601,378, plus strand): 5'-CCAAAACGGTTTTCTGCTCGCACACGGAAGAAATATTGCTGTTCAGAGAGGAGATCAGGC[A>G]CTACAAATGTGGTGCTTCCACAGTCTGGATTGACTTTGGTCCAGGCTTTTCCATCAATAG-3'
Protein context (NP_001254479.2, residues 18530-18550): NPDCGSTTFV[Val18540Ala]PDLLSEQQYF